The following is an entry in ClinVar:

ClinVar aggregate classification (germline): Uncertain significance (1 of 4 stars; one submission).

Conditions:
Hereditary pheochromocytoma and paraganglioma. Also called: Hereditary Paraganglioma-Pheochromocytoma Syndromes; Hereditary paragangliomas and pheochromocytomas; Hereditary pheochromocytoma-paraganglioma. Identifiers: Orphanet 29072, MedGen C4274332, MONDO:0017366.

Submission:

Labcorp Genetics (formerly Invitae), Labcorp
Classification: Uncertain significance for Hereditary pheochromocytoma and paraganglioma. Last evaluated: 2025-01-31. Review status: criteria provided, single submitter. Criteria: Invitae Variant Classification Sherloc (09022015). Collection method: clinical testing. Allele origin: germline.
Comment: This sequence change replaces alanine, which is neutral and non-polar, with serine, which is neutral and polar, at codon 15 of the SDHAF2 protein (p.Ala15Ser). This variant is not present in population databases (gnomAD no frequency). This variant has not been reported in the literature in individuals affected with SDHAF2-related conditions. ClinVar contains an entry for this variant (Variation ID: 532505). An algorithm developed to predict the effect of missense changes on protein structure and function (PolyPhen-2) suggests that this variant is likely to be tolerated. In summary, the available evidence is currently insufficient to determine the role of this variant in disease. Therefore, it has been classified as a Variant of Uncertain Significance.

NM_017841.4(SDHAF2):c.43G>T (p.Ala15Ser)

Gene: SDHAF2 (succinate dehydrogenase complex assembly factor 2; plus strand). Cytogenetic location: 11q12.2.
Variant type: single nucleotide variant.
Coding change: c.43G>T on transcript NM_017841.4 (MANE Select); coding-DNA position 43, G replaced by T.
Protein change: p.Ala15Ser; replaces alanine 15 with serine.
Molecular consequence: missense variant.
Genome position (GRCh38, 1-based): chr11:61,437,631, G>T. VCF-style: chr11-61437631-G-T. GRCh37 (hg19) VCF-style: chr11-61205103-G-T.
Other names: short protein forms A15S.
Identifiers: ClinVar variation 532505 (VCV000532505.8), dbSNP rs1002894711, ClinGen allele CA222877253.